The following is an entry in ClinVar:

NM_003172.4(SURF1):c.823A>G (p.Ile275Val)

Gene: SURF1 (SURF1 cytochrome c oxidase assembly factor; minus strand). Cytogenetic location: 9q34.2.
Variant type: single nucleotide variant.
Coding change: c.823A>G on transcript NM_003172.4 (MANE Select); coding-DNA position 823, A replaced by G.
Protein change: p.Ile275Val; replaces isoleucine 275 with valine.
Molecular consequence: missense variant.
Genome position (GRCh38, 1-based): chr9:133,352,071, T>C on the plus strand (A>G on the coding strand, the complement: SURF1 is on the minus strand). VCF-style: chr9-133352071-T-C. GRCh37 (hg19) VCF-style: chr9-136218926-T-C.
Other names: c.496A>G, p.Ile166Val (NM_001280787.1); short protein forms I275V, I166V.
Identifiers: ClinVar variation 2202418 (VCV002202418.1), dbSNP rs1050473947, ClinGen allele CA200832023.

ClinVar aggregate classification (germline): Uncertain significance (1 of 4 stars; one submission).

Conditions:
Leigh syndrome (NULS). Also called: Subacute necrotizing encephalopathy; Necrotizing encephalopathy infantile subacute of Leigh; Leigh's syndrome; Leigh's necrotizing encephalopathy; Leigh's disease; Leigh Syndrome (mtDNA deletion). Identifiers: Orphanet 506, MedGen C2931891, MONDO:0009723, OMIM 256000.

Allele frequency attached by ClinVar (database versions not stated): TOPMed below 0.00001; gnomAD 0.00001.

Submission:

Labcorp Genetics (formerly Invitae), Labcorp
Classification: Uncertain significance for Leigh syndrome. Last evaluated: 2022-04-12. Review status: criteria provided, single submitter. Criteria: Invitae Variant Classification Sherloc (09022015). Collection method: clinical testing. Allele origin: germline.
Comment: This sequence change replaces isoleucine, which is neutral and non-polar, with valine, which is neutral and non-polar, at codon 275 of the SURF1 protein (p.Ile275Val). This variant is present in population databases (no rsID available, gnomAD 0.006%). This variant has not been reported in the literature in individuals affected with SURF1-related conditions. Algorithms developed to predict the effect of missense changes on protein structure and function (SIFT, PolyPhen-2, Align-GVGD) all suggest that this variant is likely to be tolerated. In summary, the available evidence is currently insufficient to determine the role of this variant in disease. Therefore, it has been classified as a Variant of Uncertain Significance.